The following is an entry in ClinVar:

NM_004304.5(ALK):c.551G>A (p.Arg184Gln)

Gene: ALK (ALK receptor tyrosine kinase; minus strand). Cytogenetic location: 2p23.1.
Variant type: single nucleotide variant.
Coding change: c.551G>A on transcript NM_004304.5 (MANE Select); coding-DNA position 551, G replaced by A.
Protein change: p.Arg184Gln; replaces arginine 184 with glutamine.
Molecular consequence: missense variant.
Genome position (GRCh38, 1-based): chr2:29,920,109, C>T on the plus strand (G>A on the coding strand, the complement: ALK is on the minus strand). VCF-style: chr2-29920109-C-T. GRCh37 (hg19) VCF-style: chr2-30142975-C-T.
Other names: short protein forms R184Q.
Identifiers: ClinVar variation 4890835 (VCV004890835.1).

ClinVar aggregate classification (germline): Uncertain significance (1 of 4 stars; one submission).

Conditions:
Neuroblastoma, susceptibility to, 3. Also called: ALK-Related Neuroblastic Tumor Susceptibility. Identifiers: Orphanet 635, MedGen C2751681, MONDO:0013083, OMIM 613014.

Submission:

Helix
Classification: Uncertain significance for Neuroblastoma, susceptibility to, 3. Last evaluated: 2025-12-22. Review status: criteria provided, single submitter. Criteria: ACMG Guidelines, 2015. Collection method: clinical testing. Allele origin: germline. Inheritance: Autosomal dominant inheritance.
Comment: This variant (NM_004304.5:c.551G>A p.Arg184Gln) results in the substitution of arginine with glutamine at codon 184 in the ALK protein. It is a rare variant that is absent from the large gnomAD population database (v4.1). To our knowledge, this variant has not been reported in individuals with ALK-related conditions in the published literature. In silico prediction from REVEL (PMID: 27666373) suggests that this variant may be benign. In conclusion, since the available evidence is limited, the clinical significance of this variant is unclear at this time. Therefore, it is classified as a Variant of Uncertain Significance.